The following is an entry in ClinVar:

NM_177972.3(TUB):c.1387+1del

Genes: TUB (TUB bipartite transcription factor; plus strand), RIC3 (RIC3 acetylcholine receptor chaperone; minus strand). Cytogenetic location: 11p15.4.
Variant type: Deletion.
Coding change: c.1387+1del on transcript NM_177972.3 (MANE Select); the canonical splice donor site of the intron after coding-DNA position 1387, one base deleted (G; older notation c.1387+1delG).
Molecular consequence: splice donor variant.
Genome position (GRCh38, 1-based): chr11:8,100,998, G deleted. VCF-style (leftmost placement, unchanged base first): chr11-8100997-CG-C. GRCh37 (hg19) VCF-style: chr11-8122544-CG-C.
Other names: c.1552+1del (NM_003320.5).
Identifiers: ClinVar variation 2700878 (VCV002700878.3), dbSNP rs2539296291, ClinGen allele CA2697548428.

ClinVar aggregate classification (germline): Likely pathogenic (1 of 4 stars; one submission).

Submission:

Labcorp Genetics (formerly Invitae), Labcorp
Classification: Likely pathogenic. Last evaluated: 2023-12-04. Review status: criteria provided, single submitter. Criteria: Invitae Variant Classification Sherloc (09022015). Collection method: clinical testing. Allele origin: germline.
Comment: This sequence change affects a splice site in intron 12 of the TUB gene. It is expected to disrupt RNA splicing. Variants that disrupt the donor or acceptor splice site typically lead to a loss of protein function (PMID: 16199547), and loss-of-function variants in TUB are known to be pathogenic (PMID: 24375934). This variant is not present in population databases (gnomAD no frequency). This variant has not been reported in the literature in individuals affected with TUB-related conditions. Algorithms developed to predict the effect of sequence changes on RNA splicing suggest that this variant may disrupt the consensus splice site. In summary, the currently available evidence indicates that the variant is pathogenic, but additional data are needed to prove that conclusively. Therefore, this variant has been classified as Likely Pathogenic.

Literature cited by the submitters: PubMed 16199547; PubMed 24375934.